The following is an entry in ClinVar:

ClinVar aggregate classification (germline): Conflicting classifications of pathogenicity. Review status: criteria provided, conflicting classifications (1 of 4 stars). 6 submissions from 6 submitters: Likely pathogenic (2); Uncertain significance (4). Last evaluated 2025-08-20.

Conditions:
POLG-related disorder. Also called: POLG-Related Spectrum Disorders; POLG-related condition; POLG-Related Disorders. Identifiers: MedGen C4763519.
Progressive sclerosing poliodystrophy (MTDPS4A). Also called: ALPERS PROGRESSIVE INFANTILE POLIODYSTROPHY; Mitochondrial DNA Depletion Syndrome 4A; Alpers Syndrome; ALPERS DIFFUSE DEGENERATION OF CEREBRAL GRAY MATTER WITH HEPATIC CIRRHOSIS; Alpers-Huttenlocher Syndrome; NEURONAL DEGENERATION OF CHILDHOOD WITH LIVER DISEASE, PROGRESSIVE. Identifiers: Orphanet 726, MedGen C0205710, MONDO:0008758, OMIM 203700.
Sensory ataxic neuropathy, dysarthria, and ophthalmoparesis (SANDO). Also called: SENSORY ATAXIC NEUROPATHY WITH MITOCHONDRIAL DNA DELETIONS, AUTOSOMAL RECESSIVE; Epilepsy, progressive myoclonic, type 5; Ataxia Neuropathy Spectrum (ANS); Sensory ataxic neuropathy-dysarthria-ophthalmoparesis syndrome. Identifiers: Orphanet 70595, MedGen C1843851, MONDO:0011835, OMIM 607459.
Mitochondrial DNA depletion syndrome 4b. Also called: Mitochondrial Neurogastrointestinal Encephalopathy Disease, POLG-Related; MNGIE, POLG-RELATED. Identifiers: Orphanet 298, MedGen C3150914, MONDO:0013350, OMIM 613662.
Progressive external ophthalmoplegia with mitochondrial DNA deletions, autosomal dominant 1 (PEOA1). Also called: PROGRESSIVE EXTERNAL OPHTHALMOPLEGIA, AUTOSOMAL DOMINANT 1; Autosomal Dominant Progressive External Ophthalmoplegia (adPEO). Identifiers: MedGen C1834846, MONDO:0024528, OMIM 157640.
Progressive external ophthalmoplegia with mitochondrial DNA deletions, autosomal recessive 1 (PEOB1). Also called: Progressive external ophthalmoplegia, autosomal recessive 1; Autosomal Recessive Progressive External Ophthalmoplegia (arPEO). Identifiers: Orphanet 254886, MedGen C4225153, MONDO:0009783, OMIM 258450.

Allele frequency attached by ClinVar (database versions not stated): gnomAD 0.00003 and 0.00004; gnomAD exomes below 0.00001; TOPMed 0.00001.
gnomAD v4.1: 7 of 1,613,888 alleles (0.00043%); highest among the groups gnomAD compares: African/African-American, 0.0067%; no homozygotes.

Submissions (6):

Labcorp Genetics (formerly Invitae), Labcorp
Classification: Uncertain significance for Progressive sclerosing poliodystrophy. Last evaluated: 2025-08-20. Review status: criteria provided, single submitter. Criteria: Invitae Variant Classification Sherloc (09022015). Collection method: clinical testing. Allele origin: germline.
Comment: This sequence change replaces glutamic acid, which is acidic and polar, with lysine, which is basic and polar, at codon 856 of the POLG protein (p.Glu856Lys). This variant is not present in population databases (gnomAD no frequency). This missense change has been observed in individual(s) with POLG-related conditions (PMID: 25118206, 27349602). ClinVar contains an entry for this variant (Variation ID: 1033944). Invitae Evidence Modeling of protein sequence and biophysical properties (such as structural, functional, and spatial information, amino acid conservation, physicochemical variation, residue mobility, and thermodynamic stability) indicates that this missense variant is expected to disrupt POLG protein function with a positive predictive value of 95%. In summary, the available evidence is currently insufficient to determine the role of this variant in disease. Therefore, it has been classified as a Variant of Uncertain Significance.

PreventionGenetics, part of Exact Sciences
Classification: Likely pathogenic for POLG-related condition. Last evaluated: 2025-03-23. Review status: criteria provided, single submitter. Criteria: ACMG Guidelines, 2015. Collection method: clinical testing. Allele origin: germline.
Comment: The POLG c.2566G>A variant is predicted to result in the amino acid substitution p.Glu856Lys. This variant was reported in the compound heterozygous in two individuals with POLG deficiency (Table e1, Tchikviladzé. 2015. PubMed ID: 25118206) and found in the heterozygous condition in one individual with juvenile onset parkinsonism (Mehta et al 2016. PubMed ID: 27349602). This variant has not been reported in a large population database (gnomAD), indicating this variant is rare. This variant is interpreted as likely pathogenic.

Women's Health and Genetics/Laboratory Corporation of America, LabCorp
Classification: Uncertain significance. Last evaluated: 2025-03-19. Review status: criteria provided, single submitter. Criteria: LabCorp Variant Classification Summary - May 2015. Collection method: clinical testing. Allele origin: germline.
Comment: Variant summary: POLG c.2566G>A (p.Glu856Lys) results in a conservative amino acid change in the encoded protein sequence. Four of five in-silico tools predict a damaging effect of the variant on protein function. The variant was absent in 251388 control chromosomes. The available data on variant occurrences in the general population are insufficient to allow any conclusion about variant significance. To our knowledge, no occurrence of c.2566G>A in individuals affected with POLG-Related Spectrum Disorders and no experimental evidence demonstrating its impact on protein function have been reported. ClinVar contains an entry for this variant (Variation ID: 1033944). Based on the evidence outlined above, the variant was classified as uncertain significance.

Fulgent Genetics
Classification: Likely pathogenic for Progressive external ophthalmoplegia with mitochondrial DNA deletions, autosomal dominant 1; Progressive sclerosing poliodystrophy; Progressive external ophthalmoplegia with mitochondrial DNA deletions, autosomal recessive 1; Sensory ataxic neuropathy, dysarthria, and ophthalmoparesis; Mitochondrial DNA depletion syndrome 4b. Last evaluated: 2024-01-29. Review status: criteria provided, single submitter. Criteria: ACMG Guidelines, 2015. Collection method: clinical testing. Allele origin: germline.

GeneDx
Classification: Uncertain significance. Last evaluated: 2022-06-06. Review status: criteria provided, single submitter. Criteria: GeneDx Variant Classification Process June 2021. Collection method: clinical testing. Allele origin: germline. Affected: yes.
Comment: Reported in a heterozygous state in two siblings with juvenile-onset levodopa-reponsive Parkinsonism (Mehta et al., 2016); Reported in two unrelated patients with chronic progressive external ophthalmoplegia (CPEO) and peripheral neuropathy who both also harbored a common pathogenic POLG allele, p.(T251I) and p.(P587L) in cis; however, it is unknown if the p.(E856K) variant occurred in cis or in trans with the common complex POLG allele identified in these individuals (Masingue et al., 2018); Not observed at significant frequency in large population cohorts (gnomAD); In silico analysis supports that this missense variant has a deleterious effect on protein structure/function; This variant is associated with the following publications: (PMID: 25118206, 34179544, 30941926, 27349602, 29474836)

Baylor Genetics
Classification: Uncertain significance for Progressive sclerosing poliodystrophy. Last evaluated: 2018-08-06. Review status: criteria provided, single submitter. Criteria: ACMG Guidelines, 2015. Collection method: clinical testing. Allele origin: maternal. Affected: yes.
Comment: This variant was determined to be of uncertain significance according to ACMG Guidelines, 2015 [PMID:25741868].

Literature cited by the submitters: PubMed 25118206 (cited by Labcorp Genetics (formerly Invitae), Labcorp); PubMed 27349602 (cited by Labcorp Genetics (formerly Invitae), Labcorp).

NM_002693.3(POLG):c.2566G>A (p.Glu856Lys)

Gene: POLG (DNA polymerase gamma, catalytic subunit; minus strand). Cytogenetic location: 15q26.1.
Variant type: single nucleotide variant.
Coding change: c.2566G>A on transcript NM_002693.3 (MANE Select); coding-DNA position 2566, G replaced by A.
Protein change: p.Glu856Lys; replaces glutamic acid 856 with lysine.
Molecular consequence: missense variant.
Genome position (GRCh38, 1-based): chr15:89,321,768, C>T on the plus strand (G>A on the coding strand, the complement: POLG is on the minus strand). VCF-style: chr15-89321768-C-T. GRCh37 (hg19) VCF-style: chr15-89864999-C-T.
Other names: c.2566G>A, p.Glu856Lys (NM_001126131.2); short protein forms E856K.
Identifiers: ClinVar variation 1033944 (VCV001033944.10), dbSNP rs1032930719, ClinGen allele CA274547255.